The following is an entry in ClinVar:

NM_001904.4(CTNNB1):c.67A>G (p.Ser23Gly)

Genes: CTNNB1 (catenin beta 1; plus strand), LOC126806658 (BRD4-independent group 4 enhancer GRCh37_chr3:41265899-41267098; plus strand). Cytogenetic location: 3p22.1.
Variant type: single nucleotide variant.
Coding change: c.67A>G on transcript NM_001904.4 (MANE Select); coding-DNA position 67, A replaced by G.
Protein change: p.Ser23Gly; replaces serine 23 with glycine.
Molecular consequence: missense variant.
Genome position (GRCh38, 1-based): chr3:41,224,579, A>G. VCF-style: chr3-41224579-A-G. GRCh37 (hg19) VCF-style: chr3-41266070-A-G.
Other names: c.67A>G, p.Ser23Gly (NM_001098209.2, NM_001098210.2); c.46A>G, p.Ser16Gly (NM_001330729.2); short protein forms S16G, S23G.
Identifiers: ClinVar variation 2653693 (VCV002653693.24), dbSNP rs1413975856, ClinGen allele CA352228073.

ClinVar aggregate classification (germline): Uncertain significance (1 of 4 stars; one submission).

Submission:

CeGaT Center for Human Genetics Tuebingen
Classification: Uncertain significance. Last evaluated: 2023-10-01. Review status: criteria provided, single submitter. Criteria: CeGaT Center For Human Genetics Tuebingen Variant Classification Criteria Version 2. Collection method: clinical testing. Allele origin: germline. Affected: yes. Observed: 1 variant allele.
Comment: CTNNB1: PM2, PP2